The following is an entry in ClinVar:

NM_005359.6(SMAD4):c.122A>G (p.Glu41Gly)

Gene: SMAD4 (SMAD family member 4; plus strand). Cytogenetic location: 18q21.2.
Variant type: single nucleotide variant.
Coding change: c.122A>G on transcript NM_005359.6 (MANE Select); coding-DNA position 122, A replaced by G.
Protein change: p.Glu41Gly; replaces glutamic acid 41 with glycine.
Molecular consequence: missense variant. On other transcripts: non-coding transcript variant (2).
Genome position (GRCh38, 1-based): chr18:51,047,168, A>G. VCF-style: chr18-51047168-A-G. GRCh37 (hg19) VCF-style: chr18-48573538-A-G.
Other names: c.122A>G, p.Glu41Gly (NM_001407041.1, NM_001407042.1, NM_001407043.1); short protein forms E41G.
Identifiers: ClinVar variation 3445855 (VCV003445855.1).
Genomic context (GRCh38, chr18:51,047,168, plus strand): 5'-ATAGTTTGATGTGCCATAGACAAGGTGGAGAGAGTGAAACATTTGCAAAAAGAGCAATTG[A>G]AAGTTTGGTAAAGAAGCTGAAGGAGAAAAAAGATGAATTGGATTCTTTAATAACAGCTAT-3'
Protein context (NP_005350.1, residues 31-51): ESETFAKRAI[Glu41Gly]SLVKKLKEKK

ClinVar aggregate classification (germline): Uncertain significance (1 of 4 stars; one submission).

Conditions:
Familial thoracic aortic aneurysm and aortic dissection (TAAD). Also called: Thoracic aortic aneurysms and dissections. Identifiers: Orphanet 91387, MedGen C4707243, MONDO:0019625.
Hereditary cancer-predisposing syndrome. Also called: Tumor predisposition; Neoplastic Syndromes, Hereditary; Hereditary neoplastic syndrome; Hereditary Cancer Syndrome. Identifiers: Orphanet 140162, MedGen C0027672, MeSH D009386, MONDO:0015356.

Submission:

Ambry Genetics
Classification: Uncertain significance for Hereditary cancer-predisposing syndrome; Familial thoracic aortic aneurysm and aortic dissection. Last evaluated: 2024-09-26. Review status: criteria provided, single submitter. Criteria: Ambry Variant Classification Scheme 2023. Collection method: clinical testing. Allele origin: germline.
Comment: The p.E41G variant (also known as c.122A>G), located in coding exon 1 of the SMAD4 gene, results from an A to G substitution at nucleotide position 122. The glutamic acid at codon 41 is replaced by glycine, an amino acid with similar properties. This amino acid position is highly conserved in available vertebrate species. In addition, this alteration is predicted to be deleterious by in silico analysis. Based on the available evidence, the clinical significance of this variant remains unclear.